The following is an entry in ClinVar:

NM_000426.4(LAMA2):c.7901T>A (p.Ile2634Asn)

Gene: LAMA2 (laminin subunit alpha 2; plus strand). Cytogenetic location: 6q22.33.
Variant type: single nucleotide variant.
Coding change: c.7901T>A on transcript NM_000426.4 (MANE Select); coding-DNA position 7901, T replaced by A.
Protein change: p.Ile2634Asn; replaces isoleucine 2634 with asparagine.
Molecular consequence: missense variant.
Genome position (GRCh38, 1-based): chr6:129,491,903, T>A. VCF-style: chr6-129491903-T-A. GRCh37 (hg19) VCF-style: chr6-129813048-T-A.
Other names: c.7889T>A, p.Ile2630Asn (NM_001079823.2); short protein forms I2630N, I2634N.
Identifiers: ClinVar variation 1211034 (VCV001211034.3), dbSNP rs2114859477, ClinGen allele CA365630363.

ClinVar aggregate classification (germline): Uncertain significance (1 of 4 stars; one submission).

Allele frequency attached by ClinVar (database versions not stated): gnomAD exomes below 0.00001.
gnomAD v4.1: 4 of 1,604,506 alleles (0.00025%); highest among the groups gnomAD compares: Middle Eastern, 0.017%; no homozygotes.

Submission:

GeneDx
Classification: Uncertain significance. Last evaluated: 2021-06-18. Review status: criteria provided, single submitter. Criteria: GeneDx Variant Classification Process June 2021. Collection method: clinical testing. Allele origin: germline. Affected: yes.
Comment: Not observed at significant frequency in large population cohorts (Lek et al., 2016); In silico analysis supports that this missense variant has a deleterious effect on protein structure/function; Has not been previously published as pathogenic or benign to our knowledge; This variant is associated with the following publications: (PMID: 27535533)